The following is an entry in ClinVar:

ClinVar aggregate classification (germline): Likely benign. Review status: criteria provided, multiple submitters, no conflicts (2 of 4 stars). 3 submissions from 3 submitters: Likely benign (3). Last evaluated 2026-01-09.

Conditions:
Multiple endocrine neoplasia, type 2 (MEN2). Identifiers: Orphanet 653, MedGen C4048306, MONDO:0019003. Disease mechanism: gain of function.
Hereditary cancer-predisposing syndrome. Also called: Neoplastic Syndromes, Hereditary; Hereditary neoplastic syndrome; Hereditary Cancer Syndrome; Tumor predisposition. Identifiers: Orphanet 140162, MedGen C0027672, MeSH D009386, MONDO:0015356.
RET-related disorder. Also called: RET-related disorders; RET-related condition; RET-related disease.

Submissions (3):

PreventionGenetics, part of Exact Sciences
Classification: Likely benign for RET-related condition. Last evaluated: 2026-01-09. Review status: criteria provided, single submitter. Criteria: ACMG Guidelines, 2015. Collection method: clinical testing. Allele origin: germline.
Comment: This variant is classified as likely benign based on ACMG/AMP sequence variant interpretation guidelines (Richards et al. 2015 PMID: 25741868, with internal and published modifications).

Labcorp Genetics (formerly Invitae), Labcorp
Classification: Likely benign for Multiple endocrine neoplasia, type 2. Last evaluated: 2024-12-22. Review status: criteria provided, single submitter. Criteria: Invitae Variant Classification Sherloc (09022015). Collection method: clinical testing. Allele origin: germline.

Ambry Genetics
Classification: Likely benign for Hereditary cancer-predisposing syndrome. Last evaluated: 2021-11-08. Review status: criteria provided, single submitter. Criteria: Ambry Variant Classification Scheme 2023. Collection method: clinical testing. Allele origin: germline.

NM_020975.6(RET):c.735G>T (p.Val245=)

Gene: RET (ret proto-oncogene; plus strand). Cytogenetic location: 10q11.21.
Variant type: single nucleotide variant.
Coding change: c.735G>T on transcript NM_020975.6 (MANE Select); coding-DNA position 735, G replaced by T.
Protein change: p.Val245=; no amino-acid change (valine 245 retained).
Molecular consequence: synonymous variant. On other transcripts: 5 prime UTR variant (1), intron variant (22).
Genome position (GRCh38, 1-based): chr10:43,105,061, G>T. VCF-style: chr10-43105061-G-T. GRCh37 (hg19) VCF-style: chr10-43600509-G-T.
Other names: c.735G>T, p.Val245= (NM_000323.2, NM_001406743.1, NM_001406744.1 and 8 more transcripts); c.-28G>T (NM_001355216.2); c.606G>T, p.Val202= (NM_001406761.1, NM_001406762.1, NM_001406764.1 and 2 more transcripts); c.447G>T, p.Val149= (NM_001406766.1, NM_001406767.1, NM_001406770.1); c.625+2432G>T (NM_001406773.1, NM_001406771.1, NM_001406782.1 and 5 more transcripts); c.496+2432G>T (NM_001406786.1, NM_001406783.1); c.338-3970G>T (NM_001406778.1, NM_001406775.1, NM_001406776.1 and 1 more transcripts); c.337+4339G>T (NM_001406790.1, NM_001406788.1, NM_001406789.1 and 1 more transcripts); and 2 more.
Identifiers: ClinVar variation 1758508 (VCV001758508.5), dbSNP rs1837733166, ClinGen allele CA469022179.